The following is an entry in ClinVar:

ClinVar aggregate classification (germline): Uncertain significance (1 of 4 stars; one submission).

Allele frequency attached by ClinVar (database versions not stated): gnomAD 0.00002; TOPMed 0.00002; ExAC 0.00003; ESP Exome Variant Server 0.00008.
gnomAD v4.1: 13 of 1,614,096 alleles (0.00081%); highest among the groups gnomAD compares: South Asian, 0.012%; no homozygotes.

Submission:

Ambry Genetics
Classification: Uncertain significance. Last evaluated: 2024-06-15. Review status: criteria provided, single submitter. Criteria: Ambry Variant Classification Scheme 2023. Collection method: clinical testing. Allele origin: germline.
Comment: The p.G1316D variant (also known as c.3947G>A), located in coding exon 4 of the ALPK2 gene, results from a G to A substitution at nucleotide position 3947. The glycine at codon 1316 is replaced by aspartic acid, an amino acid with similar properties. This amino acid position is conserved. In addition, this alteration is predicted to be tolerated by in silico analysis. Since supporting evidence is limited at this time, the clinical significance of this alteration remains unclear.

NM_052947.4(ALPK2):c.3947G>A (p.Gly1316Asp)

Genes: ALPK2 (alpha kinase 2; minus strand), LOC126862764 (BRD4-independent group 4 enhancer GRCh37_chr18:56202574-56203773; plus strand). Cytogenetic location: 18q21.31.
Variant type: single nucleotide variant.
Coding change: c.3947G>A on transcript NM_052947.4 (MANE Select); coding-DNA position 3947, G replaced by A.
Protein change: p.Gly1316Asp; replaces glycine 1316 with aspartic acid.
Molecular consequence: missense variant.
Genome position (GRCh38, 1-based): chr18:58,536,240, C>T on the plus strand (G>A on the coding strand, the complement: ALPK2 is on the minus strand). VCF-style: chr18-58536240-C-T. GRCh37 (hg19) VCF-style: chr18-56203472-C-T.
Other names: short protein forms G1316D.
Identifiers: ClinVar variation 1736390 (VCV001736390.3), dbSNP rs146068935, ClinGen allele CA8976804.
Genomic context (GRCh38, chr18:58,536,240, plus strand): 5'-GGTTGGCTGAAACCCCGGGAAGAAAGACTTCTCCAATGTACACTGATGGTGGGCTCTTCG[C>T]CTTTATGGCTTTCTCTGCTATCAGCAAGGGCTGACTCAGCATCCTCTGGACTGTGAGCCA-3'
Protein context (NP_443179.3, residues 1306-1326): ALADSRESHK[Gly1316Asp]EEPTISVHWR